The following is an entry in ClinVar:

ClinVar aggregate classification (germline): Uncertain significance (1 of 4 stars; one submission).

Conditions:
Hereditary cancer-predisposing syndrome. Also called: Hereditary Cancer Syndrome; Hereditary neoplastic syndrome; Neoplastic Syndromes, Hereditary; Tumor predisposition. Identifiers: Orphanet 140162, MedGen C0027672, MeSH D009386, MONDO:0015356.

gnomAD v4.1: 1 of 1,613,672 alleles (0.000062%); highest among the groups gnomAD compares: Middle Eastern, 0.017%; no homozygotes.

Submission:

Ambry Genetics
Classification: Uncertain significance for Hereditary cancer-predisposing syndrome. Last evaluated: 2025-04-25. Review status: criteria provided, single submitter. Criteria: Ambry Variant Classification Scheme 2023. Collection method: clinical testing. Allele origin: germline.
Comment: The p.G151C variant (also known as c.451G>T), located in coding exon 5 of the NF2 gene, results from a G to T substitution at nucleotide position 451. The glycine at codon 151 is replaced by cysteine, an amino acid with highly dissimilar properties. This amino acid position is conserved. In addition, this alteration is predicted to be deleterious by in silico analysis. Based on the available evidence, the clinical significance of this variant remains unclear.

NM_000268.4(NF2):c.451G>T (p.Gly151Cys)

Gene: NF2 (NF2, moesin-ezrin-radixin like (MERLIN) tumor suppressor; plus strand). Cytogenetic location: 22q12.2.
Variant type: single nucleotide variant.
Coding change: c.451G>T on transcript NM_000268.4 (MANE Select); coding-DNA position 451, G replaced by T.
Protein change: p.Gly151Cys; replaces glycine 151 with cysteine.
Molecular consequence: missense variant. On other transcripts: 5 prime UTR variant (1), intron variant (1).
Genome position (GRCh38, 1-based): chr22:29,654,660, G>T. VCF-style: chr22-29654660-G-T. GRCh37 (hg19) VCF-style: chr22-30050649-G-T.
Other names: c.337G>T, p.Gly113Cys (NM_001407053.1, NM_001407056.1); c.328G>T, p.Gly110Cys (NM_001407054.1, NM_001407058.1, NM_001407062.1 and 1 more transcripts); c.325G>T, p.Gly109Cys (NM_001407055.1, NM_181828.3); c.451G>T, p.Gly151Cys (NM_001407057.1, NM_001407059.1, NM_001407060.1 and 4 more transcripts); c.202G>T, p.Gly68Cys (NM_001407063.1, NM_001407064.1, NM_181830.3 and 1 more transcripts); c.-190G>T (NM_001407065.1); c.220G>T, p.Gly74Cys (NM_001407067.1); c.447+12375G>T (NM_181833.3); short protein forms G110C, G68C, G151C, G109C, G74C, G113C.
Identifiers: ClinVar variation 3919146 (VCV003919146.1).